The following is an entry in ClinVar:

ClinVar aggregate classification (germline): Pathogenic (1 of 4 stars; one submission).

Conditions:
Microcephalic primordial dwarfism, Alazami type. Also called: FACIAL DYSMORPHISM, INTELLECTUAL DISABILITY, AND PRIMORDIAL DWARFISM; Alazami syndrome. Identifiers: Orphanet 319671, MedGen C3554439, MONDO:0014031, OMIM 615071.

Submission:

Women's Health and Genetics/Laboratory Corporation of America, LabCorp
Classification: Pathogenic for Microcephalic primordial dwarfism, Alazami type. Last evaluated: 2026-01-20. Review status: criteria provided, single submitter. Criteria: LabCorp Variant Classification Summary - May 2015. Collection method: clinical testing. Allele origin: germline.
Comment: Variant summary: LARP7 c.723_724delGG (p.Met241IlefsX9) results in a premature termination codon, predicted to cause a truncation of the encoded protein or absence of the protein due to nonsense mediated decay, which are commonly known mechanisms for disease. The variant was absent in 245638 control chromosomes. To our knowledge, no occurrence of c.723_724delGG in individuals affected with LARP7-related conditions and no experimental evidence demonstrating its impact on protein function have been reported. No submitters have cited clinical-significance assessments for this variant to ClinVar. Based on the evidence outlined above, the variant was classified as pathogenic.

NM_016648.4(LARP7):c.723_724del (p.Met241fs)

Genes: LARP7 (La ribonucleoprotein 7, transcriptional regulator; plus strand), MIR302CHG (miR-302/367 cluster host gene; minus strand). Cytogenetic location: 4q25.
Variant type: Deletion.
Coding change: c.723_724del on transcript NM_016648.4 (MANE Select); coding-DNA positions 723 to 724, 2 bases deleted (GG; older notation c.723_724delGG).
Protein change: p.Met241fs; shifts the reading frame from methionine 241.
Molecular consequence: frameshift variant.
Genome position (GRCh38, 1-based): chr4:112,647,275-112,647,276, GG deleted. VCF-style (leftmost placement, unchanged base first): chr4-112647274-TGG-T. GRCh37 (hg19) VCF-style: chr4-113568430-TGG-T.
Other names: c.723_724del, p.Met241fs (NM_001267039.4, NM_001370974.1, NM_001370975.1 and 2 more transcripts); c.720_721del, p.Met240fs (NM_001370976.1, NM_001370977.1, NM_001370979.1 and 1 more transcripts); c.486_487del, p.Met162fs (NM_001370981.1, NM_001370982.1); c.723_724delGG (NM_016648.4); short protein forms M162fs, M240fs, M241fs.
Identifiers: ClinVar variation 4689224 (VCV004689224.1).